The following is an entry in ClinVar:

NM_001374736.1(DST):c.12647T>A (p.Val4216Asp)

Gene: DST (dystonin; minus strand). Cytogenetic location: 6p12.1.
Variant type: single nucleotide variant.
Coding change: c.12647T>A on transcript NM_001374736.1 (MANE Select); coding-DNA position 12647, T replaced by A.
Protein change: p.Val4216Asp; replaces valine 4216 with aspartic acid.
Molecular consequence: missense variant.
Genome position (GRCh38, 1-based): chr6:56,593,742, A>T on the plus strand (T>A on the coding strand, the complement: DST is on the minus strand). VCF-style: chr6-56593742-A-T. GRCh37 (hg19) VCF-style: chr6-56458540-A-T.
Other names: c.6290T>A, p.Val2097Asp (NM_001144769.5); c.5876T>A, p.Val1959Asp (NM_001144770.2); c.12647T>A, p.Val4216Asp (NM_001374722.1); c.12014T>A, p.Val4005Asp (NM_001374729.1); c.5756T>A, p.Val1919Asp (NM_001374730.1, NM_001386100.1, NM_183380.4); c.12674T>A, p.Val4225Asp (NM_001374734.1); c.4778T>A, p.Val1593Asp (NM_015548.5); short protein forms V1593D, V1919D, V1959D, V2097D, V4005D, V4216D, V4225D.
Identifiers: ClinVar variation 1301734 (VCV001301734.4), dbSNP rs763299839, ClinGen allele CA3868427.

ClinVar aggregate classification (germline): Conflicting classifications of pathogenicity. Review status: criteria provided, conflicting classifications (1 of 4 stars). 2 submissions from 2 submitters: Uncertain significance (1); Likely benign (1). Last evaluated 2020-08-13.

Conditions:
Epidermolysis bullosa simplex 3, localized or generalized intermediate, with BP230 deficiency (EBS3). Also called: Epidermolysis bullosa simplex, autosomal recessive 2; Epidermolysis bullosa simplex due to BP230 deficiency. Identifiers: Orphanet 412181, MedGen C3809470, MONDO:0014180, OMIM 615425.
Inborn genetic diseases. Identifiers: MedGen C0950123, MeSH D030342.

Allele frequency attached by ClinVar (database versions not stated): gnomAD exomes 0.00002 and 0.00007; gnomAD 0.00004 and 0.00005; ExAC 0.00005.
gnomAD v4.1: 35 of 1,613,896 alleles (0.0022%); highest among the groups gnomAD compares: East Asian, 0.076%; no homozygotes.

Submissions (2):

Ambry Genetics
Classification: Uncertain significance for Inborn genetic diseases. Last evaluated: 2020-08-13. Review status: criteria provided, single submitter. Criteria: Ambry Variant Classification Scheme 2023. Collection method: clinical testing. Allele origin: germline.
Comment: The p.V2097D variant (also known as c.6290T>A), located in coding exon 42 of the DST gene, results from a T to A substitution at nucleotide position 6290. The valine at codon 2097 is replaced by aspartic acid, an amino acid with highly dissimilar properties. This amino acid position is poorly conserved in available vertebrate species. In addition, this alteration is predicted to be tolerated by in silico analysis. Since supporting evidence is limited at this time, the clinical significance of this alteration remains unclear.

Dubai Health Genomic Medicine Center, Dubai Health
Classification: Likely benign for Epidermolysis bullosa simplex 3, localized or generalized intermediate, with BP230 deficiency. Last evaluated: 2020-03-30. Review status: criteria provided, single submitter. Criteria: ACMG Guidelines, 2015. Collection method: clinical testing. Allele origin: germline. Affected: yes.